The following is an entry in ClinVar:

ClinVar aggregate classification (germline): Uncertain significance. Review status: criteria provided, multiple submitters, no conflicts (2 of 4 stars). 2 submissions from 2 submitters: Uncertain significance (2). Last evaluated 2024-04-10.

Conditions:
Hereditary cancer-predisposing syndrome. Also called: Neoplastic Syndromes, Hereditary; Tumor predisposition; Hereditary neoplastic syndrome; Hereditary Cancer Syndrome. Identifiers: Orphanet 140162, MedGen C0027672, MeSH D009386, MONDO:0015356.

Submissions (2):

Labcorp Genetics (formerly Invitae), Labcorp
Classification: Uncertain significance for Hereditary cancer-predisposing syndrome. Last evaluated: 2024-04-10. Review status: criteria provided, single submitter. Criteria: Invitae Variant Classification Sherloc (09022015). Collection method: clinical testing. Allele origin: germline.
Comment: This sequence change replaces isoleucine, which is neutral and non-polar, with threonine, which is neutral and polar, at codon 136 of the RAD50 protein (p.Ile136Thr). This variant is not present in population databases (gnomAD no frequency). This variant has not been reported in the literature in individuals affected with RAD50-related conditions. ClinVar contains an entry for this variant (Variation ID: 824572). Advanced modeling of protein sequence and biophysical properties (such as structural, functional, and spatial information, amino acid conservation, physicochemical variation, residue mobility, and thermodynamic stability) performed at Invitae indicates that this missense variant is not expected to disrupt RAD50 protein function with a negative predictive value of 80%. In summary, the available evidence is currently insufficient to determine the role of this variant in disease. Therefore, it has been classified as a Variant of Uncertain Significance.

Ambry Genetics
Classification: Uncertain significance for Hereditary cancer-predisposing syndrome. Last evaluated: 2024-03-24. Review status: criteria provided, single submitter. Criteria: Ambry Variant Classification Scheme 2023. Collection method: clinical testing. Allele origin: germline.
Comment: The p.I136T variant (also known as c.407T>C), located in coding exon 4 of the RAD50 gene, results from a T to C substitution at nucleotide position 407. The isoleucine at codon 136 is replaced by threonine, an amino acid with similar properties. This amino acid position is not well conserved in available vertebrate species. In addition, this alteration is predicted to be tolerated by in silico analysis. Since supporting evidence is limited at this time, the clinical significance of this alteration remains unclear.

NM_005732.4(RAD50):c.407T>C (p.Ile136Thr)

Gene: RAD50 (RAD50 double strand break repair protein; plus strand). Cytogenetic location: 5q31.1.
Variant type: single nucleotide variant.
Coding change: c.407T>C on transcript NM_005732.4 (MANE Select); coding-DNA position 407, T replaced by C.
Protein change: p.Ile136Thr; replaces isoleucine 136 with threonine.
Molecular consequence: missense variant.
Genome position (GRCh38, 1-based): chr5:132,579,358, T>C. VCF-style: chr5-132579358-T-C. GRCh37 (hg19) VCF-style: chr5-131915050-T-C.
Other names: short protein forms I136T.
Identifiers: ClinVar variation 824572 (VCV000824572.14), dbSNP rs1580987145, ClinGen allele CA360933684.
Genomic context (GRCh38, chr5:132,579,358, plus strand): 5'-TGATTTTCATTTTCTGTAGGCATGGTGAAAAGGTCAGTCTGAGCTCTAAGTGTGCAGAAA[T>C]TGACCGAGAAATGATCAGTTCTCTTGGGGTTTCCAAGGCTGTGCTAAATAATGTCATTTT-3'
Protein context (NP_005723.2, residues 126-146): KVSLSSKCAE[Ile136Thr]DREMISSLGV